The following is an entry in ClinVar:

ClinVar aggregate classification (germline): Uncertain significance (1 of 4 stars; one submission).

gnomAD v4.1: 1 of 1,613,872 alleles (0.000062%); highest among the groups gnomAD compares: Non-Finnish European, 0.000085%; no homozygotes.

Submission:

Labcorp Genetics (formerly Invitae), Labcorp
Classification: Uncertain significance. Last evaluated: 2022-10-31. Review status: criteria provided, single submitter. Criteria: Invitae Variant Classification Sherloc (09022015). Collection method: clinical testing. Allele origin: germline.
Comment: In summary, the available evidence is currently insufficient to determine the role of this variant in disease. Therefore, it has been classified as a Variant of Uncertain Significance. This variant disrupts a region of the APOA1 protein in which other variant(s) (p.Val180Glu) have been observed in individuals with APOA1-related conditions (PMID: 9514407). This suggests that this is a clinically significant region of the protein, and that variants that disrupt it are likely to be disease-causing. This premature translational stop signal has been observed in individual(s) with HDL deficiency (PMID: 30333156). This variant is not present in population databases (gnomAD no frequency). This sequence change creates a premature translational stop signal (p.Glu137*) in the APOA1 gene. While this is not anticipated to result in nonsense mediated decay, it is expected to disrupt the last 131 amino acid(s) of the APOA1 protein.

Literature cited by the submitters: PubMed 9514407; PubMed 30333156.

NM_000039.3(APOA1):c.409G>T (p.Glu137Ter)

Genes: APOA1-AS (APOA1 antisense RNA; plus strand), APOA1 (apolipoprotein A1; minus strand). Cytogenetic location: 11q23.3.
Variant type: single nucleotide variant.
Coding change: c.409G>T on transcript NM_000039.3 (MANE Select); coding-DNA position 409, G replaced by T.
Protein change: p.Glu137Ter; replaces glutamic acid 137 with a stop codon.
Molecular consequence: nonsense. On other transcripts: non-coding transcript variant (1).
Genome position (GRCh38, 1-based): chr11:116,836,203, C>A on the plus strand (G>T on the coding strand, the complement: APOA1 is on the minus strand). VCF-style: chr11-116836203-C-A. GRCh37 (hg19) VCF-style: chr11-116706919-C-A.
Other names: c.409G>T, p.Glu137Ter (NM_001318017.2, NM_001318018.2, NM_001425090.1 and 1 more transcripts); c.82G>T, p.Glu28Ter (NM_001318021.2, NM_001425091.1, NM_001425092.1); short protein forms E28*, E137*.
Identifiers: ClinVar variation 2915469 (VCV002915469.3), dbSNP rs2540290160, ClinGen allele CA382716002.